The following is an entry in ClinVar:

NM_025099.6(CTC1):c.2441G>A (p.Gly814Glu)

Gene: CTC1 (CST telomere replication complex component 1; minus strand). Cytogenetic location: 17p13.1.
Variant type: single nucleotide variant.
Coding change: c.2441G>A on transcript NM_025099.6 (MANE Select); coding-DNA position 2441, G replaced by A.
Protein change: p.Gly814Glu; replaces glycine 814 with glutamic acid.
Molecular consequence: missense variant. On other transcripts: non-coding transcript variant (1).
Genome position (GRCh38, 1-based): chr17:8,231,760, C>T on the plus strand (G>A on the coding strand, the complement: CTC1 is on the minus strand). VCF-style: chr17-8231760-C-T. GRCh37 (hg19) VCF-style: chr17-8135078-C-T.
Other names: short protein forms G814E.
Identifiers: ClinVar variation 665276 (VCV000665276.8), dbSNP rs375914513, ClinGen allele CA287533441.

ClinVar aggregate classification (germline): Uncertain significance (1 of 4 stars; one submission).

Conditions:
Dyskeratosis congenita. Identifiers: Orphanet 1775, MedGen C0265965, MONDO:0015780.

Allele frequency attached by ClinVar (database versions not stated): gnomAD exomes 0.00001; gnomAD 0.00002; TOPMed 0.00002; ESP Exome Variant Server 0.00008.

Submission:

Labcorp Genetics (formerly Invitae), Labcorp
Classification: Uncertain significance for Dyskeratosis congenita. Last evaluated: 2021-09-01. Review status: criteria provided, single submitter. Criteria: Invitae Variant Classification Sherloc (09022015). Collection method: clinical testing. Allele origin: germline.
Comment: This sequence change replaces glycine with glutamic acid at codon 814 of the CTC1 protein (p.Gly814Glu). The glycine residue is moderately conserved and there is a moderate physicochemical difference between glycine and glutamic acid. This variant is not present in population databases (ExAC no frequency). This variant has not been reported in the literature in individuals affected with CTC1-related conditions. Algorithms developed to predict the effect of missense changes on protein structure and function are either unavailable or do not agree on the potential impact of this missense change (SIFT: "Tolerated"; PolyPhen-2: "Probably Damaging"; Align-GVGD: "Class C0"). In summary, the available evidence is currently insufficient to determine the role of this variant in disease. Therefore, it has been classified as a Variant of Uncertain Significance.